The following is an entry in ClinVar:

ClinVar aggregate classification (germline): Pathogenic (1 of 4 stars; one submission).

Submission:

Labcorp Genetics (formerly Invitae), Labcorp
Classification: Pathogenic. Last evaluated: 2025-12-14. Review status: criteria provided, single submitter. Criteria: Invitae Variant Classification Sherloc (09022015). Collection method: clinical testing. Allele origin: germline.
Comment: This sequence change creates a premature translational stop signal (p.Arg120Glyfs*6) in the SCO2 gene. While this is not anticipated to result in nonsense mediated decay, it is expected to disrupt the last 147 amino acid(s) of the SCO2 protein. This variant is present in population databases (rs763990034, gnomAD 0.003%). This variant has not been reported in the literature in individuals affected with SCO2-related conditions. ClinVar contains an entry for this variant (Variation ID: 3013081). Algorithms developed to predict the effect of sequence changes on RNA splicing suggest that this variant may create or strengthen a splice site. This variant disrupts a region of the SCO2 protein in which other variant(s) (p.Gly193Ser) have been determined to be pathogenic (PMID: 19353847, 29193756, 32600061). This suggests that this is a clinically significant region of the protein, and that variants that disrupt it are likely to be disease-causing. For these reasons, this variant has been classified as Pathogenic.

Literature cited by the submitters: PubMed 19353847; PubMed 29193756; PubMed 32600061.

NM_005138.3(SCO2):c.358del (p.Arg120fs)

Genes: NCAPH2 (non-SMC condensin II complex subunit H2; plus strand), SCO2 (synthesis of cytochrome C oxidase 2; minus strand). Cytogenetic location: 22q13.33.
Variant type: Deletion.
Coding change: c.358del on transcript NM_005138.3 (MANE Select); coding-DNA position 358, one base deleted (C; older notation c.358delC).
Protein change: p.Arg120fs; shifts the reading frame from arginine 120.
Molecular consequence: frameshift variant. On other transcripts: 3 prime UTR variant (2).
Genome position (GRCh38, 1-based): chr22:50,524,054, G deleted on the plus strand (C on the coding strand, the reverse complement: SCO2 is on the minus strand); the first of 2 consecutive G bases (chr22:50,524,054-50,524,055); deleting either gives the same sequence. VCF-style (leftmost placement, unchanged base first): chr22-50524053-CG-C. GRCh37 (hg19) VCF-style: chr22-50962482-CG-C.
Other names: c.*680del (NM_001185011.2, NM_152299.4); c.358del, p.Arg120fs (NM_001169109.2, NM_001169110.1, NM_001169111.2); short protein forms R120fs.
Identifiers: ClinVar variation 3013081 (VCV003013081.3), dbSNP rs763990034, ClinGen allele CA10321223.